The following is an entry in ClinVar:

NM_002397.5(MEF2C):c.227A>G (p.His76Arg)

Gene: MEF2C (myocyte enhancer factor 2C; minus strand). Cytogenetic location: 5q14.3.
Variant type: single nucleotide variant.
Coding change: c.227A>G on transcript NM_002397.5 (MANE Select); coding-DNA position 227, A replaced by G.
Protein change: p.His76Arg; replaces histidine 76 with arginine.
Molecular consequence: missense variant.
Genome position (GRCh38, 1-based): chr5:88,804,629, T>C on the plus strand (A>G on the coding strand, the complement: MEF2C is on the minus strand). VCF-style: chr5-88804629-T-C. GRCh37 (hg19) VCF-style: chr5-88100446-T-C.
Other names: c.227A>G, p.His76Arg (NM_001364354.2, NM_001364355.2, NM_001131005.2 and 29 more transcripts); c.227A>G (NM_002397.3); short protein forms H76R.
Identifiers: ClinVar variation 2630789 (VCV002630789.3), dbSNP rs2531277342, ClinGen allele CA360424826.

ClinVar aggregate classification (germline): Uncertain significance. Review status: criteria provided, multiple submitters, no conflicts (2 of 4 stars). 2 submissions from 2 submitters: Uncertain significance (2). Last evaluated 2025-01-09.

Conditions:
MEF2C-related disorder. Also called: MEF2C-related condition; MEF2C-related disorders. Identifiers: MedGen CN381096.

Submissions (2):

PreventionGenetics, part of Exact Sciences
Classification: Uncertain significance for MEF2C-related condition. Last evaluated: 2025-01-09. Review status: criteria provided, single submitter. Criteria: ACMG Guidelines, 2015. Collection method: clinical testing. Allele origin: germline.
Comment: The MEF2C c.227A>G variant is predicted to result in the amino acid substitution p.His76Arg. To our knowledge, this variant has not been reported in the literature or in a large population database (gnomAD), indicating this variant is rare. A different missense change impacting the same amino acid (c.226C>T, p.His76Tyr) has been reported to have occurred de novo in a newborn with early-onset epilepsy (Zhao et al. 2022. PubMed ID: 35217970). At this time, the clinical significance of the c.227A>G (p.His76Arg) variant is uncertain due to the absence of conclusive functional and genetic evidence.

GeneDx
Classification: Uncertain significance. Last evaluated: 2024-11-25. Review status: criteria provided, single submitter. Criteria: GeneDx Variant Classification Process June 2021. Collection method: clinical testing. Allele origin: germline. Affected: yes.
Comment: Not observed at significant frequency in large population cohorts (gnomAD); In silico analysis supports that this missense variant has a deleterious effect on protein structure/function; Has not been previously published as pathogenic or benign to our knowledge